The following is an entry in ClinVar:

NM_152393.4(KLHL40):c.1832T>C (p.Val611Ala)

Gene: KLHL40 (kelch like family member 40; plus strand). Cytogenetic location: 3p22.1.
Variant type: single nucleotide variant.
Coding change: c.1832T>C on transcript NM_152393.4 (MANE Select); coding-DNA position 1832, T replaced by C.
Protein change: p.Val611Ala; replaces valine 611 with alanine.
Molecular consequence: missense variant.
Genome position (GRCh38, 1-based): chr3:42,691,959, T>C. VCF-style: chr3-42691959-T-C. GRCh37 (hg19) VCF-style: chr3-42733451-T-C.
Other names: short protein forms V611A.
Identifiers: ClinVar variation 640595 (VCV000640595.7), dbSNP rs749220097, ClinGen allele CA2337111.
Genomic context (GRCh38, chr3:42,691,959, plus strand): 5'-AGAAATGGGAGGGTGTCCTGCGGGAGATCGCCTATGCAGCAGGTGCCACCTTCCTACCAG[T>C]GCGGCTCAATGTGCTGTGCCTGACTAAGATGTGACCAGCTCAGGCAGACTGAACTAAGCA-3'
Protein context (NP_689606.2, residues 601-621): AYAAGATFLP[Val611Ala]RLNVLCLTKM

ClinVar aggregate classification (germline): Uncertain significance (1 of 4 stars; one submission).

Conditions:
Nemaline myopathy 8 (NEM8). Also called: Nemaline myopathy 8, autosomal recessive. Identifiers: Orphanet 171430, MedGen C3809209, MONDO:0014138, OMIM 615348.

Allele frequency attached by ClinVar (database versions not stated): ExAC 0.00001; gnomAD exomes 0.00001; gnomAD 0.00004; TOPMed 0.00007.

Submission:

Labcorp Genetics (formerly Invitae), Labcorp
Classification: Uncertain significance for Nemaline myopathy 8. Last evaluated: 2022-03-19. Review status: criteria provided, single submitter. Criteria: Invitae Variant Classification Sherloc (09022015). Collection method: clinical testing. Allele origin: germline.
Comment: This sequence change replaces valine, which is neutral and non-polar, with alanine, which is neutral and non-polar, at codon 611 of the KLHL40 protein (p.Val611Ala). This variant is present in population databases (rs749220097, gnomAD 0.02%). This variant has not been reported in the literature in individuals affected with KLHL40-related conditions. ClinVar contains an entry for this variant (Variation ID: 640595). Algorithms developed to predict the effect of missense changes on protein structure and function (SIFT, PolyPhen-2, Align-GVGD) all suggest that this variant is likely to be tolerated. In summary, the available evidence is currently insufficient to determine the role of this variant in disease. Therefore, it has been classified as a Variant of Uncertain Significance.